The following is an entry in ClinVar:

ClinVar aggregate classification (germline): Likely pathogenic (1 of 4 stars; one submission).

Conditions:
Developmental and epileptic encephalopathy, 2 (DEE2). Also called: INFANTILE SPASM SYNDROME, X-LINKED 2; CDKL5 deficiency disorder. Identifiers: Orphanet 1934, Orphanet 3451, Orphanet 505652, MedGen C4750718, MONDO:0010396, OMIM 300672.
Angelman syndrome-like. Identifiers: MedGen CN128785.

Submission:

Labcorp Genetics (formerly Invitae), Labcorp
Classification: Likely pathogenic for Developmental and epileptic encephalopathy, 2; Angelman syndrome-like. Last evaluated: 2019-04-16. Review status: criteria provided, single submitter. Criteria: Invitae Variant Classification Sherloc (09022015). Collection method: clinical testing. Allele origin: germline.
Comment: This variant has been observed to be de novo in an individual with clinical features of CDKL5-related disease (Invitae). In summary, the currently available evidence indicates that the variant is pathogenic, but additional data are needed to prove that conclusively. Therefore, this variant has been classified as Likely Pathogenic. Algorithms developed to predict the effect of missense changes on protein structure and function are either unavailable or do not agree on the potential impact of this missense change (SIFT: "Tolerated"; PolyPhen-2: "Possibly Damaging"; Align-GVGD: "Class C0"). This variant is not present in population databases (ExAC no frequency). This sequence change replaces isoleucine with methionine at codon 136 of the CDKL5 protein (p.Ile136Met). The isoleucine residue is highly conserved and there is a small physicochemical difference between isoleucine and methionine.

NM_001323289.2(CDKL5):c.408A>G (p.Ile136Met)

Gene: CDKL5 (cyclin dependent kinase like 5; plus strand). Cytogenetic location: Xp22.13.
Variant type: single nucleotide variant.
Coding change: c.408A>G on transcript NM_001323289.2 (MANE Select); coding-DNA position 408, A replaced by G.
Protein change: p.Ile136Met; replaces isoleucine 136 with methionine.
Molecular consequence: missense variant.
Genome position (GRCh38, 1-based): chrX:18,581,895, A>G. VCF-style: chrX-18581895-A-G. GRCh37 (hg19) VCF-style: chrX-18600015-A-G.
Other names: c.408A>G, p.Ile136Met (NM_001037343.2, NM_003159.3); short protein forms I136M.
Identifiers: ClinVar variation 857028 (VCV000857028.10), dbSNP rs1310022305, ClinGen allele CA412350731.